The following is an entry in ClinVar:

ClinVar aggregate classification (germline): Uncertain significance (1 of 4 stars; one submission).

Conditions:
Dent disease type 1 (DENT1). Also called: NEPHROLITHIASIS 2; NEPHROLITHIASIS, HYPERCALCIURIC, X-LINKED. Identifiers: Orphanet 1652, Orphanet 93622, MedGen C1848336, MONDO:0010225, OMIM 300009.

Submission:

Institute of Human Genetics, University of Leipzig Medical Center
Classification: Uncertain significance for Dent disease type 1. Last evaluated: 2025-03-04. Review status: criteria provided, single submitter. Criteria: ACMG Guidelines, 2015. Collection method: clinical testing. Allele origin: unknown. Inheritance: X-linked recessive inheritance. Affected: yes.
Comment: Criteria applied: PM2,PP3

NM_001127898.4(CLCN5):c.497T>C (p.Phe166Ser)

Gene: CLCN5 (Cl-/H+ antiporter 5; plus strand). Cytogenetic location: Xp11.23.
Variant type: single nucleotide variant.
Coding change: c.497T>C on transcript NM_001127898.4 (MANE Select); coding-DNA position 497, T replaced by C.
Protein change: p.Phe166Ser; replaces phenylalanine 166 with serine.
Molecular consequence: missense variant.
Genome position (GRCh38, 1-based): chrX:50,075,876, T>C. VCF-style: chrX-50075876-T-C. GRCh37 (hg19) VCF-style: chrX-49840531-T-C.
Other names: c.287T>C, p.Phe96Ser (NM_000084.5); c.497T>C, p.Phe166Ser (NM_001127899.4); c.347T>C, p.Phe116Ser (NM_001282163.2); short protein forms F116S, F166S, F96S.
Identifiers: ClinVar variation 3773724 (VCV003773724.2).